The following is an entry in ClinVar:

NM_001904.4(CTNNB1):c.735-3C>T

Gene: CTNNB1 (catenin beta 1; plus strand). Cytogenetic location: 3p22.1.
Variant type: single nucleotide variant.
Coding change: c.735-3C>T on transcript NM_001904.4 (MANE Select); 3 bases into the intron before coding-DNA position 735, C replaced by T.
Molecular consequence: intron variant.
Genome position (GRCh38, 1-based): chr3:41,225,657, C>T. VCF-style: chr3-41225657-C-T. GRCh37 (hg19) VCF-style: chr3-41267148-C-T.
Other names: c.714-3C>T (NM_001330729.2); c.735-3C>T (NM_001098209.2, NM_001098210.2).
Identifiers: ClinVar variation 2121396 (VCV002121396.4), dbSNP rs2470788397, ClinGen allele CA2580069824.

ClinVar aggregate classification (germline): Uncertain significance (1 of 4 stars; one submission).

Submission:

Labcorp Genetics (formerly Invitae), Labcorp
Classification: Uncertain significance. Last evaluated: 2022-04-27. Review status: criteria provided, single submitter. Criteria: Invitae Variant Classification Sherloc (09022015). Collection method: clinical testing. Allele origin: germline.
Comment: This sequence change falls in intron 5 of the CTNNB1 gene. It does not directly change the encoded amino acid sequence of the CTNNB1 protein. It affects a nucleotide within the consensus splice site. This variant is not present in population databases (gnomAD no frequency). In summary, the available evidence is currently insufficient to determine the role of this variant in disease. Therefore, it has been classified as a Variant of Uncertain Significance. Variants that disrupt the consensus splice site are a relatively common cause of aberrant splicing (PMID: 17576681, 9536098). Algorithms developed to predict the effect of sequence changes on RNA splicing suggest that this variant is not likely to affect RNA splicing. This variant has not been reported in the literature in individuals affected with CTNNB1-related conditions.

Literature cited by the submitters: PubMed 17576681; PubMed 9536098.